The following is an entry in ClinVar:

NM_000179.3(MSH6):c.1675T>A (p.Cys559Ser)

Gene: MSH6 (mutS homolog 6; plus strand). Cytogenetic location: 2p16.3.
Variant type: single nucleotide variant.
Coding change: c.1675T>A on transcript NM_000179.3 (MANE Select); coding-DNA position 1675, T replaced by A.
Protein change: p.Cys559Ser; replaces cysteine 559 with serine.
Molecular consequence: missense variant. On other transcripts: non-coding transcript variant (4), intron variant (2).
Genome position (GRCh38, 1-based): chr2:47,799,658, T>A. VCF-style: chr2-47799658-T-A. GRCh37 (hg19) VCF-style: chr2-48026797-T-A.
Other names: c.1285T>A, p.Cys429Ser (NM_001281492.2); c.769T>A, p.Cys257Ser (NM_001281493.2, NM_001406811.1, NM_001406812.1 and 6 more transcripts); c.1597T>A, p.Cys533Ser (NM_001406804.1); c.1378T>A, p.Cys460Ser (NM_001406805.1, NM_001406825.1, NM_001406827.1 and 10 more transcripts); c.1150T>A, p.Cys384Ser (NM_001406806.1, NM_001406807.1, NM_001406799.1); c.1675T>A, p.Cys559Ser (NM_001406808.1, NM_001406809.1, NM_001406796.1 and 3 more transcripts); c.1681T>A, p.Cys561Ser (NM_001406813.1); c.1507T>A, p.Cys503Ser (NM_001406826.1); and 3 more; short protein forms C559S, C384S, C533S, C561S, C591S, C257S, C429S, C460S.
Identifiers: ClinVar variation 2838603 (VCV002838603.5), dbSNP rs1558662565, ClinGen allele CA346747427.
Genomic context (GRCh38, chr2:47,799,658, plus strand): 5'-CTTCTTAGCCTCAAAGAAAAAGAGGAAGATTCTTCTGGCCATACTCGTGCATATGGTGTG[T>A]GCTTTGTTGATACTTCACTGGGAAAGTTTTTCATAGGTCAGTTTTCAGATGATCGCCATT-3'
Protein context (NP_000170.1, residues 549-569): SSGHTRAYGV[Cys559Ser]FVDTSLGKFF

ClinVar aggregate classification (germline): Uncertain significance. Review status: criteria provided, multiple submitters, no conflicts (2 of 4 stars). 2 submissions from 2 submitters: Uncertain significance (2). Last evaluated 2026-05-27.

Conditions:
Hereditary nonpolyposis colorectal neoplasms. Identifiers: MedGen C0009405, MeSH D003123.
Hereditary cancer-predisposing syndrome. Also called: Hereditary neoplastic syndrome; Neoplastic Syndromes, Hereditary; Tumor predisposition; Hereditary Cancer Syndrome. Identifiers: Orphanet 140162, MedGen C0027672, MeSH D009386, MONDO:0015356.

Submissions (2):

Ambry Genetics
Classification: Uncertain significance for Hereditary cancer-predisposing syndrome. Last evaluated: 2026-05-27. Review status: criteria provided, single submitter. Criteria: Ambry Variant Classification Scheme 2023. Collection method: clinical testing. Allele origin: germline.

Labcorp Genetics (formerly Invitae), Labcorp
Classification: Uncertain significance for Hereditary nonpolyposis colorectal neoplasms. Last evaluated: 2024-12-30. Review status: criteria provided, single submitter. Criteria: Invitae Variant Classification Sherloc (09022015). Collection method: clinical testing. Allele origin: germline.
Comment: This sequence change replaces cysteine, which is neutral and slightly polar, with serine, which is neutral and polar, at codon 559 of the MSH6 protein (p.Cys559Ser). This variant is not present in population databases (gnomAD no frequency). This variant has not been reported in the literature in individuals affected with MSH6-related conditions. ClinVar contains an entry for this variant (Variation ID: 2838603). Invitae Evidence Modeling of protein sequence and biophysical properties (such as structural, functional, and spatial information, amino acid conservation, physicochemical variation, residue mobility, and thermodynamic stability) indicates that this missense variant is not expected to disrupt MSH6 protein function with a negative predictive value of 95%. In summary, the available evidence is currently insufficient to determine the role of this variant in disease. Therefore, it has been classified as a Variant of Uncertain Significance.